The following is an entry in ClinVar:

ClinVar aggregate classification (germline): Uncertain significance (1 of 4 stars; one submission).

Submission:

GeneDx
Classification: Uncertain significance. Last evaluated: 2023-12-06. Review status: criteria provided, single submitter. Criteria: GeneDx Variant Classification Process June 2021. Collection method: clinical testing. Allele origin: germline. Affected: yes.
Comment: Not observed at significant frequency in large population cohorts (gnomAD); In silico analysis supports that this missense variant has a deleterious effect on protein structure/function; Has not been previously published as pathogenic or benign to our knowledge

NM_020338.4(ZMIZ1):c.502A>G (p.Thr168Ala)

Gene: ZMIZ1 (zinc finger MIZ-type containing 1; plus strand). Cytogenetic location: 10q22.3.
Variant type: single nucleotide variant.
Coding change: c.502A>G on transcript NM_020338.4 (MANE Select); coding-DNA position 502, A replaced by G.
Protein change: p.Thr168Ala; replaces threonine 168 with alanine.
Molecular consequence: missense variant.
Genome position (GRCh38, 1-based): chr10:79,289,851, A>G. VCF-style: chr10-79289851-A-G. GRCh37 (hg19) VCF-style: chr10-81049608-A-G.
Other names: short protein forms T168A.
Identifiers: ClinVar variation 3252250 (VCV003252250.1), dbSNP rs752156609.
Genomic context (GRCh38, chr10:79,289,851, plus strand): 5'-TATGACTCTGTCCCTTGGCAGCAGAACACCAACCAGCCTCCCGGCTCCCTTTCCGTGGTC[A>G]CCACGGTTTGGGGAGTAACCAACACATCCCAGAGCCAGGTAAGAGCCTATACTGCCCTCA-3'
Protein context (NP_065071.1, residues 158-178): NQPPGSLSVV[Thr168Ala]TVWGVTNTSQ